The following is an entry in ClinVar:

NM_001889.4(CRYZ):c.481-3C>G

Gene: CRYZ (crystallin zeta; minus strand). Cytogenetic location: 1p31.1.
Variant type: single nucleotide variant.
Coding change: c.481-3C>G on transcript NM_001889.4 (MANE Select); 3 bases into the intron before coding-DNA position 481, C replaced by G.
Molecular consequence: intron variant.
Genome position (GRCh38, 1-based): chr1:74,710,250, G>C on the plus strand (C>G on the coding strand, the complement: CRYZ is on the minus strand). VCF-style: chr1-74710250-G-C. GRCh37 (hg19) VCF-style: chr1-75175934-G-C.
Other names: NC_000001.10:g.75175934G>C; c.70-3C>G (NM_001134759.2); c.481-3C>G (NM_001130043.2, NM_001130042.2, NM_001130042.1).
Identifiers: ClinVar variation 4466093 (VCV004466093.2).

ClinVar aggregate classification (germline): Likely benign (1 of 4 stars; one submission).

Conditions:
CRYZ-related disorder. Also called: CRYZ-related condition.

gnomAD v4.1: 35 of 1,612,686 alleles (0.0022%); highest among the groups gnomAD compares: Non-Finnish European, 0.0029%; no homozygotes.

Submissions (3):

PreventionGenetics, part of Exact Sciences
Classification: Likely benign for CRYZ-related condition. Last evaluated: 2025-01-02. Review status: criteria provided, single submitter. Criteria: ACMG Guidelines, 2015. Collection method: clinical testing. Allele origin: germline.
Comment: This variant is classified as likely benign based on ACMG/AMP sequence variant interpretation guidelines (Richards et al. 2015 PMID: 25741868, with internal and published modifications).

Dr. Peter K. Rogan Lab, Western University
No classification provided (evidence only). Condition: Clear cell carcinoma of kidney. Review status: no classification provided. Collection method: in vitro. Allele origin: not applicable. Functional consequence: skipped exon. Not counted in ClinVar's aggregate classification.

Dr. Peter K. Rogan Lab, Western University
No classification provided (evidence only). Condition: Malignant tumor of esophagus. Review status: no classification provided. Collection method: in vitro. Allele origin: not applicable. Functional consequence: skipped exon, retained intron. Not counted in ClinVar's aggregate classification.